The following is an entry in ClinVar:

ClinVar aggregate classification (germline): Likely benign. Review status: criteria provided, multiple submitters, no conflicts (2 of 4 stars). 2 submissions from 2 submitters: Likely benign (2). Last evaluated 2025-04-24.

Conditions:
Familial cancer of breast. Also called: hereditary breast carcinoma; Hereditary breast cancer; BREAST CANCER, FAMILIAL. Identifiers: Orphanet 227535, MedGen C0346153, MONDO:0016419, OMIM 114480. Disease mechanism: loss of function.

Submissions (2):

Labcorp Genetics (formerly Invitae), Labcorp
Classification: Likely benign for Familial cancer of breast. Last evaluated: 2025-04-24. Review status: criteria provided, single submitter. Criteria: Invitae Variant Classification Sherloc (09022015). Collection method: clinical testing. Allele origin: germline.

Myriad Genetics, Inc.
Classification: Likely benign for Familial cancer of breast. Last evaluated: 2025-01-17. Review status: criteria provided, single submitter. Criteria: Myriad Autosomal Dominant, Autosomal Recessive and X-Linked Classification Criteria (2023). Collection method: clinical testing. Allele origin: unknown.
Comment: This variant is considered likely benign. This variant is intronic and is not expected to impact mRNA splicing.

NM_024675.4(PALB2):c.2749-13T>C

Gene: PALB2 (partner and localizer of BRCA2; minus strand). Cytogenetic location: 16p12.2.
Variant type: single nucleotide variant.
Coding change: c.2749-13T>C on transcript NM_024675.4 (MANE Select); 13 bases into the intron before coding-DNA position 2749, T replaced by C.
Molecular consequence: intron variant.
Genome position (GRCh38, 1-based): chr16:23,624,107, A>G on the plus strand (T>C on the coding strand, the complement: PALB2 is on the minus strand). VCF-style: chr16-23624107-A-G. GRCh37 (hg19) VCF-style: chr16-23635428-A-G.
Identifiers: ClinVar variation 2198506 (VCV002198506.5), dbSNP rs2506352257, ClinGen allele CA494181360.